The following is an entry in ClinVar:

ClinVar aggregate classification (germline): Uncertain significance (0 of 4 stars; one submission).

Conditions:
SEMA3B-related disorder. Also called: SEMA3B-related condition.

gnomAD v4.1: 22 of 1,604,916 alleles (0.0014%); highest among the groups gnomAD compares: Non-Finnish European, 0.0019%; no homozygotes.

Submission:

PreventionGenetics, part of Exact Sciences
Classification: Uncertain significance for SEMA3B-related condition. Last evaluated: 2023-11-07. Review status: no assertion criteria provided. Collection method: clinical testing. Allele origin: germline.
Comment: The SEMA3B c.923-1G>A variant is predicted to disrupt the AG splice acceptor site and interfere with normal splicing. This variant is located in an alternate transcript and does not affect a splice acceptor site in other transcripts (c.922-16G>A in NM_004636.3). To our knowledge, this variant has not been reported in the literature. This variant is reported in 0.0017% of alleles in individuals of European (Non-Finnish) descent in gnomAD. At this time, the clinical significance of this variant is uncertain due to the absence of conclusive functional and genetic evidence.

NM_001290060.2(SEMA3B):c.923-16G>A

Gene: SEMA3B (semaphorin 3B; plus strand). Cytogenetic location: 3p21.31.
Variant type: single nucleotide variant.
Coding change: c.923-16G>A on transcript NM_001290060.2 (MANE Select); 16 bases into the intron before coding-DNA position 923, G replaced by A.
Molecular consequence: intron variant. On other transcripts: splice acceptor variant (1).
Genome position (GRCh38, 1-based): chr3:50,273,743, G>A. VCF-style: chr3-50273743-G-A. GRCh37 (hg19) VCF-style: chr3-50311174-G-A.
Other names: c.923-16G>A (NM_004636.4, NM_001005914.3); c.923-1G>A (NM_001290061.1); c.-104-16G>A (NM_001290062.2); c.-107-16G>A (NM_001290063.2).
Identifiers: ClinVar variation 3349437 (VCV003349437.1).